The following is an entry in ClinVar:

ClinVar aggregate classification (germline): Uncertain significance. Review status: criteria provided, multiple submitters, no conflicts (2 of 4 stars). 2 submissions from 2 submitters: Uncertain significance (2). Last evaluated 2025-07-23.

Conditions:
GUF1-related disorder. Also called: GUF1-related condition.

Allele frequency attached by ClinVar (database versions not stated): gnomAD exomes 0.00001 and 0.00002; gnomAD 0.00002; TOPMed 0.00002.
gnomAD v4.1: 26 of 1,611,794 alleles (0.0016%); highest among the groups gnomAD compares: Non-Finnish European, 0.002%; no homozygotes.

Submissions (2):

PreventionGenetics, part of Exact Sciences
Classification: Uncertain significance for GUF1-related condition. Last evaluated: 2025-07-23. Review status: criteria provided, single submitter. Criteria: ACMG Guidelines, 2015. Collection method: clinical testing. Allele origin: germline.
Comment: The GUF1 c.838G>C variant is predicted to result in the amino acid substitution p.Val280Leu. To our knowledge, this variant has not been reported in the literature. This variant is reported in 0.0023% of alleles in individuals of European (Non-Finnish) descent in gnomAD. At this time, the clinical significance of this variant is uncertain due to the absence of conclusive functional and genetic evidence.

Labcorp Genetics (formerly Invitae), Labcorp
Classification: Uncertain significance. Last evaluated: 2021-12-02. Review status: criteria provided, single submitter. Criteria: Invitae Variant Classification Sherloc (09022015). Collection method: clinical testing. Allele origin: germline.
Comment: In summary, the available evidence is currently insufficient to determine the role of this variant in disease. Therefore, it has been classified as a Variant of Uncertain Significance. Algorithms developed to predict the effect of missense changes on protein structure and function (SIFT, PolyPhen-2, Align-GVGD) all suggest that this variant is likely to be tolerated. This variant has not been reported in the literature in individuals affected with GUF1-related conditions. This variant is present in population databases (no rsID available, gnomAD 0.002%). This sequence change replaces valine, which is neutral and non-polar, with leucine, which is neutral and non-polar, at codon 280 of the GUF1 protein (p.Val280Leu).

NM_021927.3(GUF1):c.838G>C (p.Val280Leu)

Gene: GUF1 (GTP binding elongation factor GUF1; plus strand). Cytogenetic location: 4p12.
Variant type: single nucleotide variant.
Coding change: c.838G>C on transcript NM_021927.3 (MANE Select); coding-DNA position 838, G replaced by C.
Protein change: p.Val280Leu; replaces valine 280 with leucine.
Molecular consequence: missense variant. On other transcripts: 5 prime UTR variant (2).
Genome position (GRCh38, 1-based): chr4:44,686,613, G>C. VCF-style: chr4-44686613-G-C. GRCh37 (hg19) VCF-style: chr4-44688630-G-C.
Other names: c.-135G>C (NM_001345867.2, NM_001345869.2); c.838G>C, p.Val280Leu (NM_001345868.2); c.838G>C (NM_021927.2); short protein forms V280L.
Identifiers: ClinVar variation 1507694 (VCV001507694.9), dbSNP rs908233382, ClinGen allele CA96517089.